The following is an entry in ClinVar:

ClinVar aggregate classification (germline): Uncertain significance. Review status: criteria provided, multiple submitters, no conflicts (2 of 4 stars). 4 submissions from 4 submitters: Uncertain significance (4). Last evaluated 2025-06-14.

Conditions:
Hypertrophic cardiomyopathy 1 (CMH1). Also called: MYH7-Related Familial Hypertrophic Cardiomyopathy; Familial hypertrophic cardiomyopathy 1. Identifiers: MedGen C3495498, MONDO:0008647, OMIM 192600.
Hypertrophic cardiomyopathy. Also called: HYPERTROPHIC MYOCARDIOPATHY. Identifiers: Orphanet 217569, MedGen C0007194, MeSH D002312, MONDO:0005045, HP:0001639.

Submissions (4):

Labcorp Genetics (formerly Invitae), Labcorp
Classification: Uncertain significance for Hypertrophic cardiomyopathy. Last evaluated: 2025-06-14. Review status: criteria provided, single submitter. Criteria: Invitae Variant Classification Sherloc (09022015). Collection method: clinical testing. Allele origin: germline.
Comment: This sequence change replaces asparagine, which is neutral and polar, with histidine, which is basic and polar, at codon 279 of the TPM1 protein (p.Asn279His). This variant is not present in population databases (gnomAD no frequency). This missense change has been observed in individual(s) with TPM1-related conditions (PMID: 21823217, 27532257, 37652022). ClinVar contains an entry for this variant (Variation ID: 43446). An algorithm developed to predict the effect of missense changes on protein structure and function (PolyPhen-2) suggests that this variant is likely to be disruptive. In summary, the available evidence is currently insufficient to determine the role of this variant in disease. Therefore, it has been classified as a Variant of Uncertain Significance.

Molecular Diagnostic Laboratory for Inherited Cardiovascular Disease, Montreal Heart Institute
Classification: Uncertain significance for Hypertrophic cardiomyopathy 1. Last evaluated: 2019-10-28. Review status: criteria provided, single submitter. Criteria: ACMG Guidelines, 2015. Collection method: clinical testing. Allele origin: germline. Affected: yes.

Laboratory for Molecular Medicine, Mass General Brigham Personalized Medicine
Classification: Uncertain significance. Last evaluated: 2012-04-24. Review status: criteria provided, single submitter. Criteria: LMM Criteria. Collection method: clinical testing. Allele origin: germline. Observed: 5 variant alleles.
Comment: Variant classified as Uncertain Significance - Favor Pathogenic. This low frequency is consistent with a disease ca using role but insufficient to establish this with confidence. Computational analyses (biochemic al amino acid properties, conservation, AlignGVGD, PolyPhen2, and SIFT) do not p rovide strong support for or against an impact to the protein. This data support s pathogenicity of the Asn279His variant and raises the possibility that homozyg osity and heterozygosity are associated with different phenotypic outcomes (RCM, HCM). However, the available data is not yet sufficient to conclude this with confidence.

Stanford Center for Inherited Cardiovascular Disease, Stanford University
Classification: Uncertain significance. Last evaluated: 2011-09-19. Review status: criteria provided, single submitter. Criteria: ACMG Guidelines, 2015. Collection method: provider interpretation. Allele origin: germline.

Literature cited by the submitters: PubMed 21823217 (cited by Labcorp Genetics (formerly Invitae), Labcorp); PubMed 27532257 (cited by Labcorp Genetics (formerly Invitae), Labcorp); PubMed 37652022 (cited by Labcorp Genetics (formerly Invitae), Labcorp).

NM_001018005.2(TPM1):c.835A>C (p.Asn279His)

Gene: TPM1 (tropomyosin 1; plus strand). Cytogenetic location: 15q22.2.
Variant type: single nucleotide variant.
Coding change: c.835A>C on transcript NM_001018005.2 (MANE Select); coding-DNA position 835, A replaced by C.
Protein change: p.Asn279His; replaces asparagine 279 with histidine.
Molecular consequence: missense variant. On other transcripts: intron variant (12).
Genome position (GRCh38, 1-based): chr15:63,064,126, A>C. VCF-style: chr15-63064126-A-C. GRCh37 (hg19) VCF-style: chr15-63356325-A-C.
Other names: c.835A>C, p.Asn279His (NM_000366.6, NM_001301244.2, NM_001365779.1); c.727A>C, p.Asn243His (NM_001330346.2, NM_001365781.2, NM_001365782.1); c.898+1481A>C (NM_001365778.1); c.772+1481A>C (NM_001018020.2, NM_001018007.2, NM_001018006.2 and 3 more transcripts); c.664+1481A>C (NM_001330351.2, NM_001330344.2, NM_001018008.2 and 2 more transcripts); short protein forms N279H, N243H.
Identifiers: ClinVar variation 43446 (VCV000043446.10), dbSNP rs397516392, ClinGen allele CA018397.